The following is an entry in ClinVar:

NM_001081550.2(THOC2):c.1387-2A>G

Gene: THOC2 (THO complex subunit 2; minus strand). Cytogenetic location: Xq25.
Variant type: single nucleotide variant.
Coding change: c.1387-2A>G on transcript NM_001081550.2 (MANE Select); the canonical splice acceptor site of the intron before coding-DNA position 1387, A replaced by G.
Molecular consequence: splice acceptor variant.
Genome position (GRCh38, 1-based): chrX:123,645,377, T>C on the plus strand (A>G on the coding strand, the complement: THOC2 is on the minus strand). VCF-style: chrX-123645377-T-C. GRCh37 (hg19) VCF-style: chrX-122779228-T-C.
Other names: c.1387-2A>G (NM_001441236.1, NM_001441235.1).
Identifiers: ClinVar variation 4076942 (VCV004076942.1).

ClinVar aggregate classification (germline): Uncertain significance (1 of 4 stars; one submission).

Submission:

GeneDx
Classification: Uncertain significance. Last evaluated: 2025-02-24. Review status: criteria provided, single submitter. Criteria: GeneDx Variant Classification Process June 2021. Collection method: clinical testing. Allele origin: germline. Affected: yes.
Comment: Not observed at significant frequency in large population cohorts (gnomAD); Canonical splice site variant with an unclear effect on protein function; Has not been previously published as pathogenic or benign to our knowledge